The following is an entry in ClinVar:

NM_000258.3(MYL3):c.1_2delinsG (p.Met1fs)

Gene: MYL3 (myosin light chain 3; minus strand). Cytogenetic location: 3p21.31.
Variant type: Indel.
Coding change: c.1_2delinsG on transcript NM_000258.3 (MANE Select); coding-DNA positions 1 to 2, AT replaced by G.
Protein change: p.Met1fs; shifts the reading frame from methionine 1.
Molecular consequence: frameshift variant, initiator codon variant.
Genome position (GRCh38, 1-based): chr3:46,863,389-46,863,390, AT replaced by C on the plus strand (AT replaced by G on the coding strand, the reverse complement: MYL3 is on the minus strand). VCF-style: chr3-46863389-AT-C. GRCh37 (hg19) VCF-style: chr3-46904879-AT-C.
Other names: short protein forms M1fs.
Identifiers: ClinVar variation 970431 (VCV000970431.11), dbSNP rs1702012642, ClinGen allele CA1139658042.

ClinVar aggregate classification (germline): Uncertain significance. Review status: criteria provided, multiple submitters, no conflicts (2 of 4 stars). 4 submissions from 4 submitters: Uncertain significance (4). Last evaluated 2026-08-04.

Conditions:
Hypertrophic cardiomyopathy. Also called: HYPERTROPHIC MYOCARDIOPATHY. Identifiers: Orphanet 217569, MedGen C0007194, MeSH D002312, MONDO:0005045, HP:0001639.
Cardiovascular phenotype. Identifiers: MedGen CN230736.
Hypertrophic cardiomyopathy 8. Also called: MYL3-Related Familial Hypertrophic Cardiomyopathy; CARDIOMYOPATHY, HYPERTROPHIC, MID-LEFT VENTRICULAR CHAMBER TYPE, 1. Identifiers: MedGen C1837471, MONDO:0012111, OMIM 608751.

Submissions (4):

Ambry Genetics
Classification: Uncertain significance for Cardiovascular phenotype. Last evaluated: 2026-08-04. Review status: criteria provided, single submitter. Criteria: Ambry Variant Classification Scheme 2023. Collection method: clinical testing. Allele origin: germline.
Comment: The c.1_2delinsG variant, located in coding exon 1 of the MYL3 gene, results from the deletion of two nucleotides and insertion of one nucleotide causing a translational frameshift with a predicted alternate stop codon (p.M1?). This alters the methionine residue at the initiation codon (ATG). This amino acid position is highly conserved in available vertebrate species. Sequence variations that modify the initiation codon are expected to result in either loss of translation initiation, N-terminal truncation, or cause a shift in the mRNA reading frame. However, loss of function of MYL3 has not been established as a mechanism of disease. Based on the available evidence, the clinical significance of this alteration remains unclear.

Labcorp Genetics (formerly Invitae), Labcorp
Classification: Uncertain significance for Hypertrophic cardiomyopathy. Last evaluated: 2022-03-18. Review status: criteria provided, single submitter. Criteria: Invitae Variant Classification Sherloc (09022015). Collection method: clinical testing. Allele origin: germline.
Comment: This variant is present in population databases (rs760875293, gnomAD 0.003%). This sequence change affects the initiator methionine of the MYL3 mRNA. The next in-frame methionine is located at codon 59. This variant has not been reported in the literature in individuals affected with MYL3-related conditions. Experimental studies and prediction algorithms are not available or were not evaluated, and the functional significance of this variant is currently unknown. In summary, the available evidence is currently insufficient to determine the role of this variant in disease. Therefore, it has been classified as a Variant of Uncertain Significance.

Fulgent Genetics
Classification: Uncertain significance for Hypertrophic cardiomyopathy 8. Last evaluated: 2021-07-14. Review status: criteria provided, single submitter. Criteria: ACMG Guidelines, 2015. Collection method: clinical testing. Allele origin: unknown.

GeneDx
Classification: Uncertain significance. Last evaluated: 2019-12-19. Review status: criteria provided, single submitter. Criteria: GeneDx Variant Classification Process June 2021. Collection method: clinical testing. Allele origin: germline. Affected: yes.
Comment: Has not been previously published as pathogenic or benign to our knowledge; Not observed in large population cohorts (Lek et al., 2016); Initiation codon variant in a gene for which loss-of-function is not a known mechanism of disease

Literature cited by the submitters: PubMed 33495597 (cited by Ambry Genetics).